The following is an entry in ClinVar:

NM_001367624.2(ZNF469):c.9419C>T (p.Ala3140Val)

Gene: ZNF469 (zinc finger protein 469; plus strand). Cytogenetic location: 16q24.2.
Variant type: single nucleotide variant.
Coding change: c.9419C>T on transcript NM_001367624.2 (MANE Select); coding-DNA position 9419, C replaced by T.
Protein change: p.Ala3140Val; replaces alanine 3140 with valine.
Molecular consequence: missense variant.
Genome position (GRCh38, 1-based): chr16:88,436,889, C>T. VCF-style: chr16-88436889-C-T. GRCh37 (hg19) VCF-style: chr16-88503297-C-T.
Other names: NM_001127464.1:c.9335C>T; short protein forms A3140V.
Identifiers: ClinVar variation 1440508 (VCV001440508.5), dbSNP rs892510413, ClinGen allele CA286385380.
Genomic context (GRCh38, chr16:88,436,889, plus strand): 5'-GCTTCCAGCGCTTCCGCAGCCTGGGCGAGCTGGACCTGCACAAGCTGGCCCACACGCCCG[C>T]GCCGCCGCCCACCTGCTACATGTGCGTGGAGCGCAGGTTTGGCTCGCGGGAGCTGCTGCG-3'
Protein context (NP_001354553.1, residues 3130-3150): LDLHKLAHTP[Ala3140Val]PPPTCYMCVE

ClinVar aggregate classification (germline): Uncertain significance. Review status: criteria provided, multiple submitters, no conflicts (2 of 4 stars). 3 submissions from 3 submitters: Uncertain significance (3). Last evaluated 2025-07-22.

Conditions:
Cardiovascular phenotype. Identifiers: MedGen CN230736.

Allele frequency attached by ClinVar (database versions not stated): gnomAD exomes 0.00001 and 0.00002; TOPMed 0.00004; gnomAD 0.00005.
gnomAD v4.1: 24 of 1,504,338 alleles (0.0016%); highest among the groups gnomAD compares: Admixed American, 0.013%; no homozygotes.

Submissions (3):

Women's Health and Genetics/Laboratory Corporation of America, LabCorp
Classification: Uncertain significance. Last evaluated: 2025-07-22. Review status: criteria provided, single submitter. Criteria: LabCorp Variant Classification Summary - May 2015. Collection method: clinical testing. Allele origin: germline.
Comment: Variant summary: ZNF469 c.9419C>T (p.Ala3140Val) results in a non-conservative amino acid change in the encoded protein sequence. Algorithms developed to predict the effect of missense changes on protein structure and function are either unavailable or do not agree on the potential impact of this missense change. The variant allele was found at a frequency of 1.8e-05 in 109554 control chromosomes. The available data on variant occurrences in the general population are insufficient to allow any conclusion about variant significance. c.9419C>T has been observed in at least one affected individual in a left ventricular noncompaction cohort (Yang_2015). This report does not provide unequivocal conclusions about association of the variant with Brittle cornea syndrome 1. To our knowledge, no experimental evidence demonstrating an impact on protein function has been reported. The following publication has been ascertained in the context of this evaluation (PMID: 25550050). ClinVar contains an entry for this variant (Variation ID: 1440508). Based on the evidence outlined above, the variant was classified as uncertain significance.

Ambry Genetics
Classification: Uncertain significance for Cardiovascular phenotype. Last evaluated: 2022-12-18. Review status: criteria provided, single submitter. Criteria: Ambry Variant Classification Scheme 2023. Collection method: clinical testing. Allele origin: germline.
Comment: The p.A3112V variant (also known as c.9335C>T), located in coding exon 2 of the ZNF469 gene, results from a C to T substitution at nucleotide position 9335. The alanine at codon 3112 is replaced by valine, an amino acid with similar properties. This amino acid position is conserved. In addition, this alteration is predicted to be tolerated by in silico analysis. Since supporting evidence is limited at this time, the clinical significance of this alteration remains unclear.

Labcorp Genetics (formerly Invitae), Labcorp
Classification: Uncertain significance. Last evaluated: 2021-08-22. Review status: criteria provided, single submitter. Criteria: Invitae Variant Classification Sherloc (09022015). Collection method: clinical testing. Allele origin: germline.
Comment: This sequence change replaces alanine with valine at codon 3112 of the ZNF469 protein (p.Ala3112Val). The alanine residue is weakly conserved and there is a small physicochemical difference between alanine and valine. The frequency data for this variant in the population databases is considered unreliable, as metrics indicate insufficient coverage at this position in the ExAC database. This variant has not been reported in the literature in individuals affected with ZNF469-related conditions. Algorithms developed to predict the effect of missense changes on protein structure and function are either unavailable or do not agree on the potential impact of this missense change (SIFT: "Deleterious"; PolyPhen-2: "Possibly Damaging"; Align-GVGD: "Class C0"). In summary, the available evidence is currently insufficient to determine the role of this variant in disease. Therefore, it has been classified as a Variant of Uncertain Significance.

Literature cited by the submitters: PubMed 25550050 (cited by Women's Health and Genetics/Laboratory Corporation of America, LabCorp).